The following is an entry in ClinVar:

ClinVar aggregate classification (germline): Benign (1 of 4 stars; one submission).

Allele frequency attached by ClinVar (database versions not stated): 1000 Genomes Project 0.03415; gnomAD 0.03477 and 0.03734; 1000 Genomes Project 30x 0.03529; TOPMed 0.03797.
gnomAD v4.1: 5,145 of 149,202 alleles (3.4%); highest among the groups gnomAD compares: African/African-American, 12%; 282 homozygotes.

Submission:

GeneDx
Classification: Benign. Last evaluated: 2018-06-19. Review status: criteria provided, single submitter. Criteria: GeneDx Variant Classification (06012015). Collection method: clinical testing. Allele origin: germline. Affected: yes.
Comment: This variant is considered likely benign or benign based on one or more of the following criteria: it is a conservative change, it occurs at a poorly conserved position in the protein, it is predicted to be benign by multiple in silico algorithms, and/or has population frequency not consistent with disease.

NM_000540.3(RYR1):c.12283-248T>G

Gene: RYR1 (ryanodine receptor 1; plus strand). Cytogenetic location: 19q13.2.
Variant type: single nucleotide variant.
Coding change: c.12283-248T>G on transcript NM_000540.3 (MANE Select); 248 bases into the intron before coding-DNA position 12283, T replaced by G.
Molecular consequence: intron variant.
Genome position (GRCh38, 1-based): chr19:38,560,865, T>G. VCF-style: chr19-38560865-T-G. GRCh37 (hg19) VCF-style: chr19-39051505-T-G.
Other names: c.12268-248T>G (NM_001042723.2).
Identifiers: ClinVar variation 678432 (VCV000678432.1), dbSNP rs113203778, ClinGen allele CA308105376.